The following is an entry in ClinVar:

ClinVar aggregate classification (germline): Uncertain significance (1 of 4 stars; one submission).

Allele frequency attached by ClinVar (database versions not stated): gnomAD exomes below 0.00001.
gnomAD v4.1: 1 of 1,614,136 alleles (0.000062%); highest among the groups gnomAD compares: Non-Finnish European, 0.000085%; no homozygotes.

Submission:

Labcorp Genetics (formerly Invitae), Labcorp
Classification: Uncertain significance. Last evaluated: 2021-09-08. Review status: criteria provided, single submitter. Criteria: Invitae Variant Classification Sherloc (09022015). Collection method: clinical testing. Allele origin: germline.
Comment: Algorithms developed to predict the effect of missense changes on protein structure and function are either unavailable or do not agree on the potential impact of this missense change (SIFT: "Deleterious"; PolyPhen-2: "Benign"; Align-GVGD: "Class C0"). In summary, the available evidence is currently insufficient to determine the role of this variant in disease. Therefore, it has been classified as a Variant of Uncertain Significance. This variant has not been reported in the literature in individuals affected with CTNNA1-related conditions. This variant is not present in population databases (ExAC no frequency). This sequence change replaces alanine with glycine at codon 209 of the CTNNA1 protein (p.Ala209Gly). The alanine residue is highly conserved and there is a small physicochemical difference between alanine and glycine.

NM_001903.5(CTNNA1):c.626C>G (p.Ala209Gly)

Gene: CTNNA1 (catenin alpha 1; plus strand). Cytogenetic location: 5q31.2.
Variant type: single nucleotide variant.
Coding change: c.626C>G on transcript NM_001903.5 (MANE Select); coding-DNA position 626, C replaced by G.
Protein change: p.Ala209Gly; replaces alanine 209 with glycine.
Molecular consequence: missense variant.
Genome position (GRCh38, 1-based): chr5:138,824,567, C>G. VCF-style: chr5-138824567-C-G. GRCh37 (hg19) VCF-style: chr5-138160256-C-G.
Other names: c.626C>G, p.Ala209Gly (NM_001290307.3, NM_001323982.2, NM_001323983.1 and 3 more transcripts); c.317C>G, p.Ala106Gly (NM_001290309.3); c.257C>G, p.Ala86Gly (NM_001290310.3); short protein forms A106G, A209G, A86G.
Identifiers: ClinVar variation 953451 (VCV000953451.7), dbSNP rs1760444178, ClinGen allele CA361129501.